The following is an entry in ClinVar:

NM_000135.4(FANCA):c.2186A>G (p.Asn729Ser)

Gene: FANCA (FA complementation group A; minus strand). Cytogenetic location: 16q24.3.
Variant type: single nucleotide variant.
Coding change: c.2186A>G on transcript NM_000135.4 (MANE Select); coding-DNA position 2186, A replaced by G.
Protein change: p.Asn729Ser; replaces asparagine 729 with serine.
Molecular consequence: missense variant.
Genome position (GRCh38, 1-based): chr16:89,770,600, T>C on the plus strand (A>G on the coding strand, the complement: FANCA is on the minus strand). VCF-style: chr16-89770600-T-C. GRCh37 (hg19) VCF-style: chr16-89837008-T-C.
Other names: c.2186A>G (NM_000135.2); c.2186A>G, p.Asn729Ser (NM_001286167.3); short protein forms N729S.
Identifiers: ClinVar variation 1041848 (VCV001041848.11), dbSNP rs1440861257, ClinGen allele CA397447225.

ClinVar aggregate classification (germline): Uncertain significance. Review status: criteria provided, multiple submitters, no conflicts (2 of 4 stars). 3 submissions from 3 submitters: Uncertain significance (3). Last evaluated 2025-08-12.

Conditions:
Inborn genetic diseases. Identifiers: MedGen C0950123, MeSH D030342.
Fanconi anemia (FA). Also called: Fanconi's anemia. Identifiers: Orphanet 84, MedGen C0015625, MeSH D005199, MONDO:0019391.
Fanconi anemia complementation group A (FANCA). Also called: FANCA-Related Fanconi Anemia; Fanconi anemia, group A. Identifiers: Orphanet 84, MedGen C3469521, MONDO:0009215, OMIM 227650.

Allele frequency attached by ClinVar (database versions not stated): gnomAD exomes below 0.00001; gnomAD 0.00001.
gnomAD v4.1: 3 of 1,611,580 alleles (0.00019%); highest among the groups gnomAD compares: African/African-American, 0.004%; no homozygotes.

Submissions (3):

Ambry Genetics
Classification: Uncertain significance for Inborn genetic diseases. Last evaluated: 2025-08-12. Review status: criteria provided, single submitter. Criteria: Ambry Variant Classification Scheme 2023. Collection method: clinical testing. Allele origin: germline.
Comment: The p.N729S variant (also known as c.2186A>G), located in coding exon 24 of the FANCA gene, results from an A to G substitution at nucleotide position 2186. The asparagine at codon 729 is replaced by serine, an amino acid with highly similar properties. This amino acid position is conserved. In addition, this alteration is predicted to be tolerated by in silico analysis. Based on the available evidence, the clinical significance of this variant remains unclear.

Fulgent Genetics
Classification: Uncertain significance for Fanconi anemia complementation group A. Last evaluated: 2024-01-08. Review status: criteria provided, single submitter. Criteria: ACMG Guidelines, 2015. Collection method: clinical testing. Allele origin: germline.

Labcorp Genetics (formerly Invitae), Labcorp
Classification: Uncertain significance for Fanconi anemia. Last evaluated: 2023-10-30. Review status: criteria provided, single submitter. Criteria: Invitae Variant Classification Sherloc (09022015). Collection method: clinical testing. Allele origin: germline.
Comment: This sequence change replaces asparagine, which is neutral and polar, with serine, which is neutral and polar, at codon 729 of the FANCA protein (p.Asn729Ser). This variant is present in population databases (no rsID available, gnomAD 0.01%). This variant has not been reported in the literature in individuals affected with FANCA-related conditions. ClinVar contains an entry for this variant (Variation ID: 1041848). Advanced modeling of protein sequence and biophysical properties (such as structural, functional, and spatial information, amino acid conservation, physicochemical variation, residue mobility, and thermodynamic stability) performed at Invitae indicates that this missense variant is not expected to disrupt FANCA protein function with a negative predictive value of 80%. In summary, the available evidence is currently insufficient to determine the role of this variant in disease. Therefore, it has been classified as a Variant of Uncertain Significance.